The following is an entry in ClinVar:

ClinVar aggregate classification (germline): Uncertain significance (1 of 4 stars; one submission).

Submission:

Dasa
Classification: Uncertain significance. Last evaluated: 2025-06-30. Review status: criteria provided, single submitter. Criteria: DASA Assertion Criteria. Collection method: clinical testing. Allele origin: germline.
Comment: NM_000533.5(PLP1):c.762+3G>A is a splice-region variant. This variant affects a splice-region context with prior evidence supporting clinical relevance. This variant is absent from population databases. Computational prediction algorithms are consistent with a benign effect. The currently available literature and clinical evidence are not sufficient to establish a definitive association between this variant and the reported condition. Therefore, this variant is classified as a variant of uncertain significance.

NM_000533.5(PLP1):c.762+3G>A

Genes: PLP1 (proteolipid protein 1; plus strand), RAB9B (RAB9B, member RAS oncogene family; minus strand). Cytogenetic location: Xq22.2.
Variant type: single nucleotide variant.
Coding change: c.762+3G>A on transcript NM_000533.5 (MANE Select); 3 bases into the intron after coding-DNA position 762, G replaced by A.
Molecular consequence: intron variant.
Genome position (GRCh38, 1-based): chrX:103,789,401, G>A. VCF-style: chrX-103789401-G-A. GRCh37 (hg19) VCF-style: chrX-103044330-G-A.
Other names: c.762+3G>A (NM_001128834.3); c.657+3G>A (NM_199478.3); c.597+3G>A (NM_001305004.1).
Identifiers: ClinVar variation 4885546 (VCV004885546.2).